The following is an entry in ClinVar:

NM_001451.3(FOXF1):c.636G>C (p.Ser212=)

Gene: FOXF1 (forkhead box F1; plus strand). Cytogenetic location: 16q24.1.
Variant type: single nucleotide variant.
Coding change: c.636G>C on transcript NM_001451.3 (MANE Select); coding-DNA position 636, G replaced by C.
Protein change: p.Ser212=; no amino-acid change (serine 212 retained).
Molecular consequence: synonymous variant.
Genome position (GRCh38, 1-based): chr16:86,511,205, G>C. VCF-style: chr16-86511205-G-C. GRCh37 (hg19) VCF-style: chr16-86544811-G-C.
Identifiers: ClinVar variation 689448 (VCV000689448.3), dbSNP rs776649998, ClinGen allele CA8217436.

ClinVar aggregate classification (germline): Conflicting classifications of pathogenicity. Review status: criteria provided, conflicting classifications (1 of 4 stars). 2 submissions from 2 submitters: Uncertain significance (1); Likely benign (1). Last evaluated 2025-09-04.

Conditions:
Alveolar capillary dysplasia with pulmonary venous misalignment. Also called: Alveolar capillary dysplasia with misalignment of pulmonary veins; Congenital alveolar capillary dysplasia; ALVEOLAR CAPILLARY DYSPLASIA WITH MISALIGNMENT OF PULMONARY VEINS AND OTHER CONGENITAL ANOMALIES. Identifiers: Orphanet 210122, MedGen C2960310, MONDO:0009934, OMIM 265380.

Allele frequency attached by ClinVar (database versions not stated): ExAC below 0.00001; gnomAD exomes 0.00001; TOPMed 0.00001.
gnomAD v4.1: 3 of 1,551,832 alleles (0.00019%); highest among the groups gnomAD compares: Non-Finnish European, 0.00026%; no homozygotes.

Submissions (2):

Labcorp Genetics (formerly Invitae), Labcorp
Classification: Likely benign. Last evaluated: 2025-09-04. Review status: criteria provided, single submitter. Criteria: Invitae Variant Classification Sherloc (09022015). Collection method: clinical testing. Allele origin: germline.

Johns Hopkins Genomics, Johns Hopkins University
Classification: Uncertain significance for Alveolar capillary dysplasia with pulmonary venous misalignment. Last evaluated: 2019-04-23. Review status: criteria provided, single submitter. Criteria: ACMG Guidelines, 2015. Collection method: clinical testing. Allele origin: germline.
Comment: This FOXF1 variant (rs776649998) is rare* (<0.1%) in a large population dataset (gnomAD: 1/151352 total alleles; 0.00066%; no homozygotes). FOXF1 c.636G>C has not been reported in ClinVar nor the literature, to our knowledge. Bioinformatic analysis predicts that this synonymous variant would not affect normal exon 1 splicing, although this has not been confirmed experimentally to our knowledge. The clinical significance of c.636G>C is uncertain at this time.